The following is an entry in ClinVar:

NM_000222.3(KIT):c.1139C>T (p.Thr380Met)

Gene: KIT (KIT proto-oncogene, receptor tyrosine kinase; plus strand). Cytogenetic location: 4q12.
Variant type: single nucleotide variant.
Coding change: c.1139C>T on transcript NM_000222.3 (MANE Select); coding-DNA position 1139, C replaced by T.
Protein change: p.Thr380Met; replaces threonine 380 with methionine.
Molecular consequence: missense variant.
Genome position (GRCh38, 1-based): chr4:54,709,447, C>T. VCF-style: chr4-54709447-C-T. GRCh37 (hg19) VCF-style: chr4-55575613-C-T.
Other names: c.1139C>T, p.Thr380Met (NM_001093772.2, NM_001385285.1, NM_001385286.1); c.1142C>T, p.Thr381Met (NM_001385284.1, NM_001385288.1, NM_001385290.1 and 1 more transcripts); short protein forms T380M, T381M.
Identifiers: ClinVar variation 409770 (VCV000409770.21), dbSNP rs760981584, ClinGen allele CA2923396.

ClinVar aggregate classification (germline): Conflicting classifications of pathogenicity. Review status: criteria provided, conflicting classifications (1 of 4 stars). 9 submissions from 7 submitters: Uncertain significance (8); Likely benign (1). Last evaluated 2026-06-19.

Conditions:
KIT-related disorder. Also called: KIT-related condition.
Hereditary cancer-predisposing syndrome. Also called: Neoplastic Syndromes, Hereditary; Tumor predisposition; Hereditary Cancer Syndrome; Hereditary neoplastic syndrome. Identifiers: Orphanet 140162, MedGen C0027672, MeSH D009386, MONDO:0015356.
Mastocytosis. Also called: Mast Cell Disease. Identifiers: Orphanet 98292, MedGen C0024899, MONDO:0007950, HP:0100495.
Gastrointestinal stromal tumor. Also called: Gastrointestinal stroma tumor; Gastrointestinal stromal tumor, somatic. Identifiers: Orphanet 44890, MedGen C0238198, MeSH D046152, MONDO:0011719, OMIM 606764, HP:0100723.
Piebaldism. Also called: Piebald skin depigmentation. Identifiers: Orphanet 2884, MedGen C0080024, MONDO:0008244, OMIM 172800, HP:0007544.

Allele frequency attached by ClinVar (database versions not stated): TOPMed 0.00001; ExAC 0.00002; gnomAD 0.00002; gnomAD exomes 0.00003.
gnomAD v4.1: 54 of 1,612,334 alleles (0.0033%); highest among the groups gnomAD compares: Middle Eastern, 0.016%; no homozygotes.

Submissions (9):

PreventionGenetics, part of Exact Sciences
Classification: Uncertain significance for KIT-related condition. Last evaluated: 2026-06-19. Review status: criteria provided, single submitter. Criteria: ACMG Guidelines, 2015. Collection method: clinical testing. Allele origin: germline.
Comment: The KIT c.1139C>T variant is predicted to result in the amino acid substitution p.Thr380Met. To our knowledge, this variant has not been reported in the literature. This variant is reported in 0.0058% of alleles in individuals of Latino descent in gnomAD. This variant is classified as a variant of uncertain significance in ClinVar (Variation ID: 409770 ). At this time, the clinical significance of this variant is uncertain due to the absence of conclusive functional and genetic evidence.

Myriad Genetics, Inc.
Classification: Likely benign for Gastrointestinal stromal tumor. Last evaluated: 2026-05-27. Review status: criteria provided, single submitter. Criteria: Myriad Autosomal Dominant, Autosomal Recessive and X-Linked Classification Criteria (2023). Collection method: clinical testing. Allele origin: unknown.
Comment: This variant is considered likely benign. This variant has been observed at a population frequency that is significantly greater than expected given the associated disease prevalence and penetrance.

Labcorp Genetics (formerly Invitae), Labcorp
Classification: Uncertain significance for Gastrointestinal stromal tumor. Last evaluated: 2025-12-17. Review status: criteria provided, single submitter. Criteria: Invitae Variant Classification Sherloc (09022015). Collection method: clinical testing. Allele origin: germline.
Comment: This sequence change replaces threonine, which is neutral and polar, with methionine, which is neutral and non-polar, at codon 380 of the KIT protein (p.Thr380Met). This variant is present in population databases (rs760981584, gnomAD 0.006%). This variant has not been reported in the literature in individuals affected with KIT-related conditions. ClinVar contains an entry for this variant (Variation ID: 409770). An algorithm developed to predict the effect of missense changes on protein structure and function (PolyPhen-2) suggests that this variant is likely to be disruptive. In summary, the available evidence is currently insufficient to determine the role of this variant in disease. Therefore, it has been classified as a Variant of Uncertain Significance.

Ambry Genetics
Classification: Uncertain significance for Hereditary cancer-predisposing syndrome. Last evaluated: 2025-09-20. Review status: criteria provided, single submitter. Criteria: Ambry Variant Classification Scheme 2023. Collection method: clinical testing. Allele origin: germline.
Comment: The p.T380M variant (also known as c.1139C>T), located in coding exon 7 of the KIT gene, results from a C to T substitution at nucleotide position 1139. The threonine at codon 380 is replaced by methionine, an amino acid with similar properties. This amino acid position is well conserved in available vertebrate species. In addition, the in silico prediction for this alteration is inconclusive. Since supporting evidence is limited at this time, the clinical significance of this alteration remains unclear.

Baylor Genetics
Classification: Uncertain significance for Gastrointestinal stromal tumor. Last evaluated: 2024-02-15. Review status: criteria provided, single submitter. Criteria: ACMG Guidelines, 2015. Collection method: clinical testing. Allele origin: unknown.

Clinical Genetics Laboratory, Skane University Hospital Lund
Classification: Uncertain significance. Last evaluated: 2022-12-08. Review status: criteria provided, single submitter. Criteria: ACMG Guidelines, 2015. Collection method: clinical testing. Allele origin: germline. Affected: yes.

Illumina Laboratory Services, Illumina
Classification: Uncertain significance for Piebaldism. Last evaluated: 2017-04-27. Review status: criteria provided, single submitter. Criteria: ICSL Variant Classification Criteria 13 December 2019. Collection method: clinical testing. Allele origin: germline.

Illumina Laboratory Services, Illumina
Classification: Uncertain significance for Gastrointestinal stromal tumor. Last evaluated: 2017-04-27. Review status: criteria provided, single submitter. Criteria: ICSL Variant Classification Criteria 13 December 2019. Collection method: clinical testing. Allele origin: germline.

Illumina Laboratory Services, Illumina
Classification: Uncertain significance for Cutaneous mastocytosis. Last evaluated: 2017-04-27. Review status: criteria provided, single submitter. Criteria: ICSL Variant Classification Criteria 13 December 2019. Collection method: clinical testing. Allele origin: germline.